The following is an entry in ClinVar:

ClinVar aggregate classification (germline): Uncertain significance. Review status: criteria provided, multiple submitters, no conflicts (2 of 4 stars). 4 submissions from 4 submitters: Uncertain significance (4). Last evaluated 2025-09-05.

Conditions:
Tuberous sclerosis 2 (TSC2). Identifiers: Orphanet 805, MedGen C1860707, MONDO:0013199, OMIM 613254.
Hereditary cancer-predisposing syndrome. Also called: Neoplastic Syndromes, Hereditary; Hereditary neoplastic syndrome; Hereditary Cancer Syndrome; Tumor predisposition. Identifiers: Orphanet 140162, MedGen C0027672, MeSH D009386, MONDO:0015356.

Submissions (4):

Ambry Genetics
Classification: Uncertain significance for Hereditary cancer-predisposing syndrome. Last evaluated: 2025-09-05. Review status: criteria provided, single submitter. Criteria: Ambry Variant Classification Scheme 2023. Collection method: clinical testing. Allele origin: germline.
Comment: The p.E482Q variant (also known as c.1444G>C) is located in coding exon 14 of the TSC2 gene. The glutamic acid at codon 482 is replaced by glutamine, an amino acid with highly similar properties. This change occurs in the first base pair of coding exon 14. This amino acid position is well conserved in available vertebrate species. In addition, the in silico prediction for this alteration is inconclusive. Based on the available evidence, the clinical significance of this variant remains unclear.

Labcorp Genetics (formerly Invitae), Labcorp
Classification: Uncertain significance for Tuberous sclerosis 2. Last evaluated: 2024-12-18. Review status: criteria provided, single submitter. Criteria: Invitae Variant Classification Sherloc (09022015). Collection method: clinical testing. Allele origin: germline.
Comment: This sequence change replaces glutamic acid, which is acidic and polar, with glutamine, which is neutral and polar, at codon 482 of the TSC2 protein (p.Glu482Gln). This variant is not present in population databases (gnomAD no frequency). This variant has not been reported in the literature in individuals affected with TSC2-related conditions. ClinVar contains an entry for this variant (Variation ID: 944549). An algorithm developed to predict the effect of missense changes on protein structure and function (PolyPhen-2) suggests that this variant is likely to be disruptive. Algorithms developed to predict the effect of sequence changes on RNA splicing suggest that this variant may create or strengthen a splice site. In summary, the available evidence is currently insufficient to determine the role of this variant in disease. Therefore, it has been classified as a Variant of Uncertain Significance.

GeneDx
Classification: Uncertain significance. Last evaluated: 2023-04-20. Review status: criteria provided, single submitter. Criteria: GeneDx Variant Classification Process June 2021. Collection method: clinical testing. Allele origin: germline. Affected: yes.
Comment: Not observed at significant frequency in large population cohorts (gnomAD); In silico analysis supports a deleterious effect on splicing; In silico analysis supports that this missense variant does not alter protein structure/function; Has not been previously published as pathogenic or benign to our knowledge

Greenwood Genetic Center Diagnostic Laboratories, Greenwood Genetic Center
Classification: Uncertain significance. Last evaluated: 2021-09-02. Review status: criteria provided, single submitter. Criteria: ACMG Guidelines, 2015. Collection method: clinical testing. Allele origin: germline. Affected: yes.
Comment: PM2

NM_000548.5(TSC2):c.1444G>C (p.Glu482Gln)

Gene: TSC2 (TSC complex subunit 2; plus strand). Cytogenetic location: 16p13.3.
Variant type: single nucleotide variant.
Coding change: c.1444G>C on transcript NM_000548.5 (MANE Select); coding-DNA position 1444, G replaced by C.
Protein change: p.Glu482Gln; replaces glutamic acid 482 with glutamine.
Molecular consequence: missense variant.
Genome position (GRCh38, 1-based): chr16:2,064,272, G>C. VCF-style: chr16-2064272-G-C. GRCh37 (hg19) VCF-style: chr16-2114273-G-C.
Other names: c.1444G>C, p.Glu482Gln (NM_001370404.1, NM_001370405.1, NM_021055.3 and 3 more transcripts); c.1333G>C, p.Glu445Gln (NM_001318827.2); c.1297G>C, p.Glu433Gln (NM_001318829.2); c.844G>C, p.Glu282Gln (NM_001318831.2); c.1477G>C, p.Glu493Gln (NM_001318832.2); short protein forms E282Q, E482Q, E433Q, E493Q, E445Q.
Identifiers: ClinVar variation 944549 (VCV000944549.12), dbSNP rs1308965961, ClinGen allele CA394325401.